The following is an entry in ClinVar:

NM_032217.5(ANKRD17):c.7600T>C (p.Ser2534Pro)

Gene: ANKRD17 (ankyrin repeat domain 17; minus strand). Cytogenetic location: 4q13.3.
Variant type: single nucleotide variant.
Coding change: c.7600T>C on transcript NM_032217.5 (MANE Select); coding-DNA position 7600, T replaced by C.
Protein change: p.Ser2534Pro; replaces serine 2534 with proline.
Molecular consequence: missense variant.
Genome position (GRCh38, 1-based): chr4:73,077,092, A>G on the plus strand (T>C on the coding strand, the complement: ANKRD17 is on the minus strand). VCF-style: chr4-73077092-A-G. GRCh37 (hg19) VCF-style: chr4-73942809-A-G.
Other names: c.7261T>C, p.Ser2421Pro (NM_001286771.3); c.7597T>C, p.Ser2533Pro (NM_015574.2); c.6847T>C, p.Ser2283Pro (NM_198889.3); short protein forms S2283P, S2421P, S2533P, S2534P.
Identifiers: ClinVar variation 3906678 (VCV003906678.2).

ClinVar aggregate classification (germline): Uncertain significance (1 of 4 stars; one submission).

Submission:

GeneDx
Classification: Uncertain significance. Last evaluated: 2026-08-06. Review status: criteria provided, single submitter. Criteria: GeneDx Variant Classification Process June 2021. Collection method: clinical testing. Allele origin: germline.
Comment: Has not been previously published as pathogenic or benign to our knowledge; Not observed at significant frequency in large population cohorts (gnomAD); In silico analysis suggests that this missense variant does not alter protein structure/function